The following is an entry in ClinVar:

ClinVar aggregate classification (germline): Uncertain significance. Review status: criteria provided, single submitter (1 of 4 stars). 2 submissions from 2 submitters: Uncertain significance (1). 1 of the submissions does not count toward it. Last evaluated 2020-12-29.

Conditions:
Inborn genetic diseases. Identifiers: MedGen C0950123, MeSH D030342.
RAB23-related Carpenter syndrome. Also called: ACPS II; Carpenter syndrome 1. Identifiers: Orphanet 65759, MedGen C4551510, MONDO:0008710, OMIM 201000.

Submissions (2):

Ambry Genetics
Classification: Uncertain significance for Inborn genetic diseases. Last evaluated: 2020-12-29. Review status: criteria provided, single submitter. Criteria: Ambry Variant Classification Scheme 2023. Collection method: clinical testing. Allele origin: germline.
Comment: The c.705C>A (p.S235R) alteration is located in exon 7 (coding exon 6) of the RAB23 gene. This alteration results from a C to A substitution at nucleotide position 705, causing the serine (S) at amino acid position 235 to be replaced by an arginine (R). The p.S235R alteration is predicted to be tolerated by in silico analysis. Based on insufficient or conflicting evidence, the clinical significance of this alteration remains unclear.

Natera, Inc.
Classification: Uncertain significance for Carpenter syndrome 1. Last evaluated: 2025-02-20. Review status: no assertion criteria provided. Collection method: clinical testing. Allele origin: germline. Not counted in ClinVar's aggregate classification.

NM_016277.5(RAB23):c.705C>A (p.Ser235Arg)

Gene: RAB23 (RAB23, member RAS oncogene family; minus strand). Cytogenetic location: 6p12.1.
Variant type: single nucleotide variant.
Coding change: c.705C>A on transcript NM_016277.5 (MANE Select); coding-DNA position 705, C replaced by A.
Protein change: p.Ser235Arg; replaces serine 235 with arginine.
Molecular consequence: missense variant. On other transcripts: non-coding transcript variant (1).
Genome position (GRCh38, 1-based): chr6:57,190,470, G>T on the plus strand (C>A on the coding strand, the complement: RAB23 is on the minus strand). VCF-style: chr6-57190470-G-T. GRCh37 (hg19) VCF-style: chr6-57055268-G-T.
Other names: c.705C>A, p.Ser235Arg (NM_001278666.2, NM_001278667.2, NM_001278668.2 and 1 more transcripts); c.705C>A (NM_183227.2); short protein forms S235R.
Identifiers: ClinVar variation 2228109 (VCV002228109.3), dbSNP rs2533164957, ClinGen allele CA364625233.